The following is an entry in ClinVar:

NM_005876.5(SPEG):c.6408G>C (p.Ala2136=)

Genes: ASIC4-AS1 (ASIC4 antisense RNA 1; minus strand), SPEG (striated muscle enriched protein kinase; plus strand). Cytogenetic location: 2q35.
Variant type: single nucleotide variant.
Coding change: c.6408G>C on transcript NM_005876.5 (MANE Select); coding-DNA position 6408, G replaced by C.
Protein change: p.Ala2136=; no amino-acid change (alanine 2136 retained).
Molecular consequence: synonymous variant.
Genome position (GRCh38, 1-based): chr2:219,483,871, G>C. VCF-style: chr2-219483871-G-C. GRCh37 (hg19) VCF-style: chr2-220348593-G-C.
Identifiers: ClinVar variation 785993 (VCV000785993.13), dbSNP rs376371756, ClinGen allele CA2127028.

ClinVar aggregate classification (germline): Benign/Likely benign. Review status: criteria provided, multiple submitters, no conflicts (2 of 4 stars). 4 submissions from 4 submitters: Benign (2); Likely benign (1). 1 of the submissions does not count toward it. Last evaluated 2026-01-14.

Conditions:
SPEG-related disorder. Also called: SPEG-related condition.

Allele frequency attached by ClinVar (database versions not stated): ESP Exome Variant Server 0.00060; 1000 Genomes Project 0.00080; 1000 Genomes Project 30x 0.00109; TOPMed 0.00131; gnomAD 0.00151.
gnomAD v4.1: 339 of 1,595,954 alleles (0.021%); highest among the groups gnomAD compares: African/African-American, 0.41%; no homozygotes.

Submissions (4):

Labcorp Genetics (formerly Invitae), Labcorp
Classification: Benign. Last evaluated: 2026-01-14. Review status: criteria provided, single submitter. Criteria: Invitae Variant Classification Sherloc (09022015). Collection method: clinical testing. Allele origin: germline.

Blueprint Genetics
Classification: Likely benign. Last evaluated: 2023-09-14. Review status: criteria provided, single submitter. Criteria: ACMG Guidelines, 2015. Collection method: clinical testing. Allele origin: germline.

Breakthrough Genomics
Classification: Benign. Review status: criteria provided, single submitter. Criteria: ACMG Guidelines, 2015. Collection method: not provided. Allele origin: germline. Inheritance: Autosomal recessive inheritance. Affected: yes.

PreventionGenetics, part of Exact Sciences
Classification: Likely benign for SPEG-related condition. Last evaluated: 2019-05-29. Review status: no assertion criteria provided. Collection method: clinical testing. Allele origin: germline. Not counted in ClinVar's aggregate classification.
Comment: This variant is classified as likely benign based on ACMG/AMP sequence variant interpretation guidelines (Richards et al. 2015 PMID: 25741868, with internal and published modifications).